The following is an entry in ClinVar:

ClinVar aggregate classification (germline): Likely pathogenic. Review status: criteria provided, multiple submitters, no conflicts (2 of 4 stars). 2 submissions from 2 submitters: Likely pathogenic (2). Last evaluated 2022-12-01.

Conditions:
CR2-related disorder. Also called: CR2-related disorders; CR2-related condition.
Immunodeficiency, common variable, 7. Identifiers: Orphanet 1572, Orphanet 696894, MedGen C3542922, MONDO:0013862, OMIM 614699.

Allele frequency attached by ClinVar (database versions not stated): gnomAD exomes below 0.00001.
gnomAD v4.1: 2 of 1,595,092 alleles (0.00013%); highest among the groups gnomAD compares: Non-Finnish European, 0.00017%; no homozygotes.

Submissions (2):

Blueprint Genetics
Classification: Likely pathogenic for CR2-related disorders. Last evaluated: 2022-12-01. Review status: criteria provided, single submitter. Criteria: ACMG Guidelines, 2015. Collection method: clinical testing. Allele origin: germline. Affected: yes. Observed: 2 variant alleles.

Labcorp Genetics (formerly Invitae), Labcorp
Classification: Likely pathogenic for Immunodeficiency, common variable, 7. Last evaluated: 2022-09-19. Review status: criteria provided, single submitter. Criteria: Invitae Variant Classification Sherloc (09022015). Collection method: clinical testing. Allele origin: germline.
Comment: This variant has not been reported in the literature in individuals affected with CR2-related conditions. ClinVar contains an entry for this variant (Variation ID: 1365893). Algorithms developed to predict the effect of sequence changes on RNA splicing suggest that this variant may disrupt the consensus splice site. In summary, the currently available evidence indicates that the variant is pathogenic, but additional data are needed to prove that conclusively. Therefore, this variant has been classified as Likely Pathogenic. This variant is present in population databases (no rsID available, gnomAD 0.0009%). This sequence change affects an acceptor splice site in intron 16 of the CR2 gene. It is expected to disrupt RNA splicing. Variants that disrupt the donor or acceptor splice site typically lead to a loss of protein function (PMID: 16199547), and loss-of-function variants in CR2 are known to be pathogenic (PMID: 26325596, 28499783).

Literature cited by the submitters: PubMed 16199547 (cited by Labcorp Genetics (formerly Invitae), Labcorp); PubMed 26325596 (cited by Labcorp Genetics (formerly Invitae), Labcorp); PubMed 28499783 (cited by Labcorp Genetics (formerly Invitae), Labcorp).

NM_001006658.3(CR2):c.3089-1G>A

Gene: CR2 (complement C3d receptor 2; plus strand). Cytogenetic location: 1q32.2.
Variant type: single nucleotide variant.
Coding change: c.3089-1G>A on transcript NM_001006658.3 (MANE Select); the canonical splice acceptor site of the intron before coding-DNA position 3089, G replaced by A.
Molecular consequence: splice acceptor variant.
Genome position (GRCh38, 1-based): chr1:207,479,256, G>A. VCF-style: chr1-207479256-G-A. GRCh37 (hg19) VCF-style: chr1-207652601-G-A.
Other names: c.2912-1G>A (NM_001877.5).
Identifiers: ClinVar variation 1365893 (VCV001365893.9), dbSNP rs1365226221, ClinGen allele CA344541958.